The following is an entry in ClinVar:

ClinVar aggregate classification (germline): Uncertain significance. Review status: criteria provided, multiple submitters, no conflicts (2 of 4 stars). 2 submissions from 2 submitters: Uncertain significance (2). Last evaluated 2018-02-05.

Allele frequency attached by ClinVar (database versions not stated): gnomAD exomes below 0.00001.

Submissions (2):

GeneDx
Classification: Uncertain significance. Last evaluated: 2018-02-05. Review status: criteria provided, single submitter. Criteria: GeneDx Variant Classification (06012015). Collection method: clinical testing. Allele origin: germline. Affected: yes.
Comment: The c.1591_1593delACT variant has not been published as a pathogenic variant, nor has it been reported as a benign variant to our knowledge. This variant is not observed in large population cohorts (Lek et al., 2016). The c.1591_1593delACT variant results in an in-frame deletion of one Threonine amino acid residue, denoted p.Thr531del. In-silico analyses, including protein predictors and evolutionary conservation, support a deleterious effect. However, other in-frame deletions or missense variants have not been reported at nearby residues in the Human Gene Mutation Database (Stenson et al., 2014).

Eurofins Ntd Llc (ga)
Classification: Uncertain significance. Last evaluated: 2017-09-14. Review status: criteria provided, single submitter. Criteria: EGL Classification Definitions 2015. Collection method: clinical testing. Allele origin: germline. Observed: 1 variant allele, 1 heterozygote.

NM_004393.6(DAG1):c.1591_1593del (p.Thr531del)

Gene: DAG1 (dystroglycan 1; plus strand). Cytogenetic location: 3p21.31.
Variant type: Deletion.
Coding change: c.1591_1593del on transcript NM_004393.6 (MANE Select); coding-DNA positions 1591 to 1593, 3 bases deleted (ACT; older notation c.1591_1593delACT).
Protein change: p.Thr531del; deletes threonine 531.
Molecular consequence: inframe deletion.
Genome position (GRCh38, 1-based): chr3:49,532,102-49,532,104, ACT deleted. VCF-style (leftmost placement, unchanged base first): chr3-49532101-CACT-C. GRCh37 (hg19) VCF-style: chr3-49569534-CACT-C.
Other names: c.1591_1593delACT (NM_004393.5); c.1591_1593del, p.Thr531del (NM_001165928.4, NM_001177634.3, NM_001177635.3 and 9 more transcripts); short protein forms T531del.
Identifiers: ClinVar variation 504182 (VCV000504182.7), dbSNP rs1553653146, ClinGen allele CA658796322.